The following is an entry in ClinVar:

ClinVar aggregate classification (germline): Conflicting classifications of pathogenicity. Review status: criteria provided, conflicting classifications (1 of 4 stars). 5 submissions from 5 submitters: Uncertain significance (4); Likely benign (1). Last evaluated 2026-05-03.

Conditions:
TTN-related disorder. Also called: TTN-related condition; TTN-related disease; TTN-related disorders.
Cardiovascular phenotype. Identifiers: MedGen CN230736.

Allele frequency attached by ClinVar (database versions not stated): gnomAD 0.00001; gnomAD exomes 0.00001; TOPMed 0.00001.
gnomAD v4.1: 16 of 1,613,120 alleles (0.00099%); highest among the groups gnomAD compares: Non-Finnish European, 0.0013%; no homozygotes.

Submissions (5):

PreventionGenetics, part of Exact Sciences
Classification: Uncertain significance for TTN-related condition. Last evaluated: 2026-05-03. Review status: criteria provided, single submitter. Criteria: ACMG Guidelines, 2015. Collection method: clinical testing. Allele origin: germline.
Comment: The TTN c.43857T>G variant is predicted to result in the amino acid substitution p.Phe14619Leu. This variant has been reported in an individual from a large exome cohort with no clinical details provided (referred to as c.36153T>G, p.Phe12051Leu from transcript NM_133378 in Supplemental Table 3, Ng et al. 2013. PubMed ID: 23861362). To our knowledge, this variant has not been reported in a large population database (gnomAD), indicating this variant is rare. At this time, the clinical significance of this variant is uncertain due to the absence of conclusive functional and genetic evidence.

Blueprint Genetics
Classification: Likely benign. Last evaluated: 2022-12-14. Review status: criteria provided, single submitter. Criteria: ACMG Guidelines, 2015. Collection method: clinical testing. Allele origin: germline.

Revvity Omics, Revvity
Classification: Uncertain significance. Last evaluated: 2019-08-29. Review status: criteria provided, single submitter. Criteria: ACMG Guidelines, 2015. Collection method: clinical testing. Allele origin: germline.

Ambry Genetics
Classification: Uncertain significance for Cardiovascular phenotype. Last evaluated: 2019-04-18. Review status: criteria provided, single submitter. Criteria: Ambry Variant Classification Scheme 2023. Collection method: clinical testing. Allele origin: germline.
Comment: The p.F5554L variant (also known as c.16662T>G), located in coding exon 64 of the TTN gene, results from a T to G substitution at nucleotide position 16662. The phenylalanine at codon 5554 is replaced by leucine, an amino acid with highly similar properties. This alteration has been reported as a secondary cardiac variant in an exome cohort (Ng D et al. Circ Cardiovasc Genet, 2013 Aug;6:337-46). This amino acid position is well conserved in available vertebrate species. In addition, this alteration is predicted to be tolerated by in silico analysis. Since supporting evidence is limited at this time, the clinical significance of this alteration remains unclear.

Biesecker Lab/Clinical Genomics Section, National Institutes of Health
Classification: Uncertain significance. Last evaluated: 2013-06-24. Review status: criteria provided, single submitter. Criteria: Ng et al. (Circ Cardiovasc Genet. 2013). Collection method: research. Allele origin: unknown. Observed: 1 variant allele. Study: ClinSeq.
Comment: The study set was not selected for affection status in relation to any cancer. Pathogenicity categories were based on literature curation. See Pubmed ID:23861362 for details.

Medical sequencing

Literature cited by the submitters: PubMed 23861362 (cited by Ambry Genetics).

NM_001267550.2(TTN):c.43857T>G (p.Phe14619Leu)

Gene: TTN (titin; minus strand). Cytogenetic location: 2q31.2.
Variant type: single nucleotide variant.
Coding change: c.43857T>G on transcript NM_001267550.2 (MANE Select); coding-DNA position 43857, T replaced by G.
Protein change: p.Phe14619Leu; replaces phenylalanine 14619 with leucine.
Molecular consequence: missense variant.
Genome position (GRCh38, 1-based): chr2:178,631,191, A>C on the plus strand (T>G on the coding strand, the complement: TTN is on the minus strand). VCF-style: chr2-178631191-A-C. GRCh37 (hg19) VCF-style: chr2-179495918-A-C.
Other names: c.38934T>G, p.Phe12978Leu (NM_001256850.1); c.16662T>G, p.Phe5554Leu (NM_003319.4); c.36153T>G, p.Phe12051Leu (NM_133378.4); c.17037T>G, p.Phe5679Leu (NM_133432.3); c.17238T>G, p.Phe5746Leu (NM_133437.4); short protein forms F12051L, F14619L, F5554L, F5679L, F5746L, F12978L.
Identifiers: ClinVar variation 191966 (VCV000191966.10), dbSNP rs202179380, ClinGen allele CA237983.